The following is an entry in ClinVar:

NM_018249.6(CDK5RAP2):c.199del (p.Ile67fs)

Gene: CDK5RAP2 (CDK5 regulatory subunit associated protein 2; minus strand). Cytogenetic location: 9q33.2.
Variant type: Deletion.
Coding change: c.199del on transcript NM_018249.6 (MANE Select); coding-DNA position 199, one base deleted (A; older notation c.199delA).
Protein change: p.Ile67fs; shifts the reading frame from isoleucine 67.
Molecular consequence: frameshift variant. On other transcripts: non-coding transcript variant (5).
Genome position (GRCh38, 1-based): chr9:120,550,899, T deleted on the plus strand (A on the coding strand, the reverse complement: CDK5RAP2 is on the minus strand); the first of 3 consecutive T bases (chr9:120,550,899-120,550,901); deleting any one gives the same sequence. VCF-style (leftmost placement, unchanged base first): chr9-120550898-AT-A. GRCh37 (hg19) VCF-style: chr9-123313176-AT-A.
Other names: c.199del, p.Ile67fs (NM_001011649.3, NM_001272039.2, NM_001410992.1 and 2 more transcripts); short protein forms I67fs.
Identifiers: ClinVar variation 4681193 (VCV004681193.1).

ClinVar aggregate classification (germline): Pathogenic (1 of 4 stars; one submission).

Conditions:
Microcephaly 3, primary, autosomal recessive. Identifiers: Orphanet 2512, MedGen C1858108, MONDO:0011488, OMIM 604804.

Submission:

Health Biotechnology Lab, Government College University Faisalabad
Classification: Pathogenic for Microcephaly 3, primary, autosomal recessive. Last evaluated: 2025-06-27. Review status: criteria provided, single submitter. Criteria: ACMG Guidelines, 2015. Collection method: research. Allele origin: germline. Affected: yes. Observed: 2 variant alleles.
Comment: This homozygous frameshift variant variant in CDK5RAP2 gene, NM_018249.6:c.199del p.(Ile67Serfs*4), segregated in the family with Primary microcephaly. This variant is associated with MCPH3, with clinical features of microcephaly, developmental delay, and intellectual disability. The CDK5RAP2 p.(Ile67Serfs*4) variant was absent from gnomAD V4.1 and had not been reported in ClinVar or HGMD Professional. It is classified as pathogenic according to ACMG criteria with PVS1, PM2 .